The following is an entry in ClinVar:

ClinVar aggregate classification (germline): Conflicting classifications of pathogenicity. Review status: criteria provided, conflicting classifications (1 of 4 stars). 2 submissions from 2 submitters: Uncertain significance (1); Likely benign (1). Last evaluated 2026-03-01.

Allele frequency attached by ClinVar (database versions not stated): gnomAD exomes 0.00002.
gnomAD v4.1: 23 of 1,113,905 alleles (0.0021%); highest among the groups gnomAD compares: Non-Finnish European, 0.0024%; no homozygotes.

Submissions (2):

CeGaT Center for Human Genetics Tuebingen
Classification: Likely benign. Last evaluated: 2026-03-01. Review status: criteria provided, single submitter. Criteria: CeGaT Center For Human Genetics Tuebingen Variant Classification Criteria Version 2. Collection method: clinical testing. Allele origin: germline. Affected: yes. Observed: 1 variant allele.
Comment: RBMXL3: BS2

Ambry Genetics
Classification: Uncertain significance. Last evaluated: 2023-01-10. Review status: criteria provided, single submitter. Criteria: Ambry Variant Classification Scheme 2023. Collection method: clinical testing. Allele origin: germline.

NM_001145346.2(RBMXL3):c.2105A>G (p.Tyr702Cys)

Genes: LRCH2 (leucine rich repeats and calponin homology domain containing 2; minus strand), RBMXL3 (RBMX like 3; plus strand). Cytogenetic location: Xq23.
Variant type: single nucleotide variant.
Coding change: c.2105A>G on transcript NM_001145346.2 (MANE Select); coding-DNA position 2105, A replaced by G.
Protein change: p.Tyr702Cys; replaces tyrosine 702 with cysteine.
Molecular consequence: missense variant. On other transcripts: intron variant (2).
Genome position (GRCh38, 1-based): chrX:115,191,546, A>G. VCF-style: chrX-115191546-A-G. GRCh37 (hg19) VCF-style: chrX-114426109-A-G.
Other names: c.350-3176T>C (NM_001243963.2, NM_020871.4); short protein forms Y702C.
Identifiers: ClinVar variation 2469303 (VCV002469303.6), dbSNP rs1306256760, ClinGen allele CA414173944.
Genomic context (GRCh38, chrX:115,191,546, plus strand): 5'-GAGGCCGCTCGCCTGATGCCTACAGTGGGGGCCACGACAGTTCCAGCCAGAGCAACCGCT[A>G]TGGAGGAGGCGGCCGCTACGAGGAGTACCGAGGCCACTCGCTTGATGCCAACAGCGGAGG-3'
Protein context (NP_001138818.1, residues 692-712): GHDSSSQSNR[Tyr702Cys]GGGGRYEEYR